The following is an entry in ClinVar:

ClinVar aggregate classification (germline): Conflicting classifications of pathogenicity. Review status: criteria provided, conflicting classifications (1 of 4 stars). 11 submissions from 9 submitters: Uncertain significance (7); Likely benign (2). 2 of the submissions do not count toward it. Last evaluated 2026-01-16.

Conditions:
MYO7A-related disorder. Also called: MYO7A-related disorders.
Usher syndrome type 1 (USH1). Also called: RETINITIS PIGMENTOSA AND CONGENITAL DEAFNESS. Identifiers: Orphanet 231169, Orphanet 886, MedGen C1568247, MONDO:0010168, OMIM 276900.
Usher syndrome type 1B (USH1B). Also called: Usher syndrome type IB. Identifiers: MedGen C1848638, MONDO:0700087.
Autosomal dominant nonsyndromic hearing loss 11. Identifiers: Orphanet 90635, MedGen C1832475, MONDO:0011032, OMIM 601317.
Autosomal recessive nonsyndromic hearing loss 2. Also called: DEAFNESS, AUTOSOMAL RECESSIVE 2; NEUROSENSORY NONSYNDROMIC RECESSIVE DEAFNESS 2. Identifiers: Orphanet 90636, MedGen C1838701, MONDO:0010807, OMIM 600060.

Allele frequency attached by ClinVar (database versions not stated): ESP Exome Variant Server 0.00008; gnomAD exomes 0.00025 and 0.00026; gnomAD 0.00032 and 0.00033; ExAC 0.00033; TOPMed 0.00038.
gnomAD v4.1: 408 of 1,565,632 alleles (0.026%); highest among the groups gnomAD compares: Admixed American, 0.087%; 1 homozygote.

Submissions (11):

Labcorp Genetics (formerly Invitae), Labcorp
Classification: Likely benign. Last evaluated: 2026-01-16. Review status: criteria provided, single submitter. Criteria: Invitae Variant Classification Sherloc (09022015). Collection method: clinical testing. Allele origin: germline.

GeneDx
Classification: Uncertain significance. Last evaluated: 2025-10-01. Review status: criteria provided, single submitter. Criteria: GeneDx Variant Classification Process June 2021. Collection method: clinical testing. Allele origin: germline. Affected: yes.
Comment: In silico analysis suggests that this missense variant does not alter protein structure/function; Has not been previously published as pathogenic or benign to our knowledge

Women's Health and Genetics/Laboratory Corporation of America, LabCorp
Classification: Uncertain significance. Last evaluated: 2025-06-20. Review status: criteria provided, single submitter. Criteria: LabCorp Variant Classification Summary - May 2015. Collection method: clinical testing. Allele origin: germline.

Blueprint Genetics
Classification: Likely benign. Last evaluated: 2024-09-21. Review status: criteria provided, single submitter. Criteria: ACMG Guidelines, 2015. Collection method: clinical testing. Allele origin: germline.

Illumina Laboratory Services, Illumina
Classification: Uncertain significance for Autosomal recessive nonsyndromic hearing loss 2. Last evaluated: 2018-01-13. Review status: criteria provided, single submitter. Criteria: ICSL Variant Classification Criteria 13 December 2019. Collection method: clinical testing. Allele origin: germline.

Illumina Laboratory Services, Illumina
Classification: Uncertain significance for Usher syndrome type 1. Last evaluated: 2018-01-13. Review status: criteria provided, single submitter. Criteria: ICSL Variant Classification Criteria 13 December 2019. Collection method: clinical testing. Allele origin: germline.

Illumina Laboratory Services, Illumina
Classification: Uncertain significance for Autosomal dominant nonsyndromic hearing loss 11. Last evaluated: 2018-01-13. Review status: criteria provided, single submitter. Criteria: ICSL Variant Classification Criteria 13 December 2019. Collection method: clinical testing. Allele origin: germline.

Laboratory for Molecular Medicine, Mass General Brigham Personalized Medicine
Classification: Uncertain significance. Last evaluated: 2017-12-21. Review status: criteria provided, single submitter. Criteria: LMM Criteria. Collection method: clinical testing. Allele origin: germline. Observed: 3 variant alleles.
Comment: Variant classified as Uncertain Significance - Favor Benign. The p.Ala1703Val va riant in MYO7A has been previously reported by our laboratory in the heterozygou s state in 2 individuals with hearing loss, but a variant affecting the remainin g copy of the gene was not identified in either and an alternate etiology was fo und in one of them. It has been identified in 0.18% (16/8844) of Ashkenazi Jewis h chromosomes by the Genome Aggregation Database (gnomAD; dbSNP rs199561332) and is reported in ClinVar (variation ID: 43271) . Computational prediction tools and conservation analysis suggest that the p.Al a1703Val variant may not impact the protein, though this information is not pred ictive enough to rule out pathogenicity. In summary, while the clinical signific ance of the p.Ala1703Val variant is uncertain, these data suggest that it is mor e likely to be benign. ACMG/AMP Criteria applied: BP4.

Eurofins Ntd Llc (ga)
Classification: Uncertain significance. Last evaluated: 2014-11-22. Review status: criteria provided, single submitter. Criteria: EGL Classification Definitions 2015. Collection method: clinical testing. Allele origin: germline. Observed: 1 variant allele, 1 heterozygote.

PreventionGenetics, part of Exact Sciences
Classification: Likely benign for MYO7A-related condition. Last evaluated: 2024-02-13. Review status: no assertion criteria provided. Collection method: clinical testing. Allele origin: germline. Not counted in ClinVar's aggregate classification.
Comment: This variant is classified as likely benign based on ACMG/AMP sequence variant interpretation guidelines (Richards et al. 2015 PMID: 25741868, with internal and published modifications).

Natera, Inc.
Classification: Uncertain significance for Usher syndrome type 1B. Last evaluated: 2020-04-17. Review status: no assertion criteria provided. Collection method: clinical testing. Allele origin: germline. Not counted in ClinVar's aggregate classification.

NM_000260.4(MYO7A):c.5108C>T (p.Ala1703Val)

Gene: MYO7A (myosin VIIA; plus strand). Cytogenetic location: 11q13.5.
Variant type: single nucleotide variant.
Coding change: c.5108C>T on transcript NM_000260.4 (MANE Select); coding-DNA position 5108, C replaced by T.
Protein change: p.Ala1703Val; replaces alanine 1703 with valine.
Molecular consequence: missense variant.
Genome position (GRCh38, 1-based): chr11:77,202,364, C>T. VCF-style: chr11-77202364-C-T. GRCh37 (hg19) VCF-style: chr11-76913409-C-T.
Other names: c.4994C>T, p.Ala1665Val (NM_001127180.2); c.4961C>T, p.Ala1654Val (NM_001369365.1); short protein forms A1703V, A1654V, A1665V.
Identifiers: ClinVar variation 43271 (VCV000043271.35), dbSNP rs199561332, ClinGen allele CA132369.
Genomic context (GRCh38, chr11:77,202,364, plus strand): 5'-TGGTCACCATGACTCCCGATCAGAGGCAGGACGTTGTCCGGCTCTTGCAGCTGCGAACGG[C>T]GGAGCCCGAGGTGCGTGCCAAGCCCTACACGCTGGAGGAGTTTTCCTATGACTACTTCAG-3'
Protein context (NP_000251.3, residues 1693-1713): DVVRLLQLRT[Ala1703Val]EPEVRAKPYT